The following is an entry in ClinVar:

ClinVar aggregate classification (germline): Conflicting classifications of pathogenicity. Review status: criteria provided, conflicting classifications (1 of 4 stars). 2 submissions from 2 submitters: Likely pathogenic (1); Uncertain significance (1). Last evaluated 2024-08-12.

Conditions:
Inborn genetic diseases. Identifiers: MedGen C0950123, MeSH D030342.

Submissions (2):

GeneDx
Classification: Uncertain significance. Last evaluated: 2024-08-12. Review status: criteria provided, single submitter. Criteria: GeneDx Variant Classification Process June 2021. Collection method: clinical testing. Allele origin: germline. Affected: yes.
Comment: Not observed at significant frequency in large population cohorts (gnomAD); In silico analysis supports that this missense variant has a deleterious effect on protein structure/function; Has not been previously published as pathogenic or benign to our knowledge

Ambry Genetics
Classification: Likely pathogenic for Inborn genetic diseases. Last evaluated: 2018-07-13. Review status: criteria provided, single submitter. Criteria: Ambry exome assertion method (8-5-2015). Collection method: clinical testing. Allele origin: germline. Affected: yes. Observed: 1 variant allele.

Literature cited by the submitters: PubMed 23389822 (cited by Ambry Genetics).

NM_000496.3(CRYBB2):c.229G>A (p.Gly77Ser)

Gene: CRYBB2 (crystallin beta B2; plus strand). Cytogenetic location: 22q11.23.
Variant type: single nucleotide variant.
Coding change: c.229G>A on transcript NM_000496.3 (MANE Select); coding-DNA position 229, G replaced by A.
Protein change: p.Gly77Ser; replaces glycine 77 with serine.
Molecular consequence: missense variant.
Genome position (GRCh38, 1-based): chr22:25,227,908, G>A. VCF-style: chr22-25227908-G-A. GRCh37 (hg19) VCF-style: chr22-25623875-G-A.
Other names: short protein forms G77S.
Identifiers: ClinVar variation 986184 (VCV000986184.4), dbSNP rs1935449238, ClinGen allele CA410987274.